The following is an entry in ClinVar:

ClinVar aggregate classification (germline): Uncertain significance (1 of 4 stars; one submission).

Conditions:
Generalized epilepsy-paroxysmal dyskinesia syndrome (PNKD3). Also called: Generalized epilepsy and paroxysmal dyskinesia; Paroxysmal nonkinesigenic dyskinesia, 3, with or without generalized epilepsy. Identifiers: Orphanet 79137, MedGen C5574945, MONDO:0012276, OMIM 609446.

gnomAD v4.1: 2 of 1,611,322 alleles (0.00012%); highest among the groups gnomAD compares: Admixed American, 0.0017%; no homozygotes.

Submission:

Labcorp Genetics (formerly Invitae), Labcorp
Classification: Uncertain significance for Generalized epilepsy-paroxysmal dyskinesia syndrome. Last evaluated: 2025-03-21. Review status: criteria provided, single submitter. Criteria: Invitae Variant Classification Sherloc (09022015). Collection method: clinical testing. Allele origin: germline.
Comment: This sequence change replaces serine, which is neutral and polar, with tryptophan, which is neutral and slightly polar, at codon 60 of the KCNMA1 protein (p.Ser60Trp). The frequency data for this variant in the population databases is considered unreliable, as metrics indicate poor data quality at this position in the gnomAD database. This variant has not been reported in the literature in individuals affected with KCNMA1-related conditions. ClinVar contains an entry for this variant (Variation ID: 645020). An algorithm developed to predict the effect of missense changes on protein structure and function (PolyPhen-2) suggests that this variant is likely to be disruptive. In summary, the available evidence is currently insufficient to determine the role of this variant in disease. Therefore, it has been classified as a Variant of Uncertain Significance.

NM_001161352.2(KCNMA1):c.179C>G (p.Ser60Trp)

Gene: KCNMA1 (potassium calcium-activated channel subfamily M alpha 1; minus strand). Cytogenetic location: 10q22.3.
Variant type: single nucleotide variant.
Coding change: c.179C>G on transcript NM_001161352.2 (MANE Select); coding-DNA position 179, C replaced by G.
Protein change: p.Ser60Trp; replaces serine 60 with tryptophan.
Molecular consequence: missense variant.
Genome position (GRCh38, 1-based): chr10:77,637,464, G>C on the plus strand (C>G on the coding strand, the complement: KCNMA1 is on the minus strand). VCF-style: chr10-77637464-G-C. GRCh37 (hg19) VCF-style: chr10-79397222-G-C.
Other names: c.179C>G, p.Ser60Trp (NM_001014797.3, NM_001161353.2, NM_001271518.2 and 12 more transcripts); short protein forms S60W.
Identifiers: ClinVar variation 645020 (VCV000645020.9), dbSNP rs768769748, ClinGen allele CA377412612.